The following is an entry in ClinVar:

NM_016111.4(TELO2):c.1609G>T (p.Ala537Ser)

Gene: TELO2 (telomere maintenance 2; plus strand). Cytogenetic location: 16p13.3.
Variant type: single nucleotide variant.
Coding change: c.1609G>T on transcript NM_016111.4 (MANE Select); coding-DNA position 1609, G replaced by T.
Protein change: p.Ala537Ser; replaces alanine 537 with serine.
Molecular consequence: missense variant.
Genome position (GRCh38, 1-based): chr16:1,502,360, G>T. VCF-style: chr16-1502360-G-T. GRCh37 (hg19) VCF-style: chr16-1552361-G-T.
Other names: c.1609G>T, p.Ala537Ser (NM_001351846.2); short protein forms A537S.
Identifiers: ClinVar variation 2101872 (VCV002101872.4), dbSNP rs2505963851, ClinGen allele CA394215318.
Genomic context (GRCh38, chr16:1,502,360, plus strand): 5'-GGGTTCTGTGCAGCCCTGACCACGTCTGAGGACATAGAGCGCTGGGAGGCAGCCCTGCGG[G>T]CCCTTGAGGGCCTGGTCTACAGGAGCCCCACAGCCACTCGGGAGGTGAGTGGGGGGCGGG-3'
Protein context (NP_057195.2, residues 527-547): DIERWEAALR[Ala537Ser]LEGLVYRSPT

ClinVar aggregate classification (germline): Uncertain significance (1 of 4 stars; one submission).

Submission:

Labcorp Genetics (formerly Invitae), Labcorp
Classification: Uncertain significance. Last evaluated: 2024-10-15. Review status: criteria provided, single submitter. Criteria: Invitae Variant Classification Sherloc (09022015). Collection method: clinical testing. Allele origin: germline.
Comment: This sequence change replaces alanine, which is neutral and non-polar, with serine, which is neutral and polar, at codon 537 of the TELO2 protein (p.Ala537Ser). This variant is not present in population databases (gnomAD no frequency). This variant has not been reported in the literature in individuals affected with TELO2-related conditions. ClinVar contains an entry for this variant (Variation ID: 2101872). Invitae Evidence Modeling of protein sequence and biophysical properties (such as structural, functional, and spatial information, amino acid conservation, physicochemical variation, residue mobility, and thermodynamic stability) indicates that this missense variant is not expected to disrupt TELO2 protein function with a negative predictive value of 95%. In summary, the available evidence is currently insufficient to determine the role of this variant in disease. Therefore, it has been classified as a Variant of Uncertain Significance.